The following is an entry in ClinVar:

NM_001365999.1(SZT2):c.2792C>T (p.Thr931Met)

Gene: SZT2 (SZT2 subunit of KICSTOR complex; plus strand). Cytogenetic location: 1p34.2.
Variant type: single nucleotide variant.
Coding change: c.2792C>T on transcript NM_001365999.1 (MANE Select); coding-DNA position 2792, C replaced by T.
Protein change: p.Thr931Met; replaces threonine 931 with methionine.
Molecular consequence: missense variant.
Genome position (GRCh38, 1-based): chr1:43,425,620, C>T. VCF-style: chr1-43425620-C-T. GRCh37 (hg19) VCF-style: chr1-43891291-C-T.
Other names: c.2792C>T, p.Thr931Met (NM_015284.4); short protein forms T931M.
Identifiers: ClinVar variation 1014640 (VCV001014640.9), dbSNP rs755130899, ClinGen allele CA808798.

ClinVar aggregate classification (germline): Uncertain significance. Review status: criteria provided, multiple submitters, no conflicts (2 of 4 stars). 4 submissions from 4 submitters: Uncertain significance (4). Last evaluated 2024-05-26.

Conditions:
Developmental and epileptic encephalopathy, 18 (DEE18). Also called: Early infantile epileptic encephalopathy 18. Identifiers: Orphanet 369894, MedGen C3809624, MONDO:0014201, OMIM 615476.
Inborn genetic diseases. Identifiers: MedGen C0950123, MeSH D030342.

Allele frequency attached by ClinVar (database versions not stated): gnomAD exomes 0.00002; ExAC 0.00004; gnomAD 0.00004 and 0.00005; TOPMed 0.00004.
gnomAD v4.1: 29 of 1,614,088 alleles (0.0018%); highest among the groups gnomAD compares: Admixed American, 0.0033%; no homozygotes.

Submissions (4):

GeneDx
Classification: Uncertain significance. Last evaluated: 2024-05-26. Review status: criteria provided, single submitter. Criteria: GeneDx Variant Classification Process June 2021. Collection method: clinical testing. Allele origin: germline. Affected: yes.
Comment: Not observed at significant frequency in large population cohorts (gnomAD); In silico analysis indicates that this missense variant does not alter protein structure/function; Has not been previously published as pathogenic or benign to our knowledge

Genome-Nilou Lab
Classification: Uncertain significance for Developmental and epileptic encephalopathy, 18. Last evaluated: 2023-04-11. Review status: criteria provided, single submitter. Criteria: ACMG Guidelines, 2015. Collection method: clinical testing. Allele origin: germline. Affected: no.

Labcorp Genetics (formerly Invitae), Labcorp
Classification: Uncertain significance. Last evaluated: 2021-08-24. Review status: criteria provided, single submitter. Criteria: Invitae Variant Classification Sherloc (09022015). Collection method: clinical testing. Allele origin: germline.
Comment: This sequence change replaces threonine with methionine at codon 931 of the SZT2 protein (p.Thr931Met). The threonine residue is highly conserved and there is a moderate physicochemical difference between threonine and methionine. This variant is present in population databases (rs755130899, ExAC 0.007%). This variant has not been reported in the literature in individuals affected with SZT2-related conditions. Algorithms developed to predict the effect of missense changes on protein structure and function are either unavailable or do not agree on the potential impact of this missense change (SIFT: "Deleterious"; PolyPhen-2: "Probably Damaging"; Align-GVGD: "Class C15"). In summary, the available evidence is currently insufficient to determine the role of this variant in disease. Therefore, it has been classified as a Variant of Uncertain Significance.

Ambry Genetics
Classification: Uncertain significance for Inborn genetic diseases. Last evaluated: 2017-10-27. Review status: criteria provided, single submitter. Criteria: Ambry Variant Classification Scheme 2023. Collection method: clinical testing. Allele origin: germline.
Comment: The p.T931M variant (also known as c.2792C>T), located in coding exon 19 of the SZT2 gene, results from a C to T substitution at nucleotide position 2792. The threonine at codon 931 is replaced by methionine, an amino acid with similar properties. This amino acid position is well conserved in available vertebrate species. In addition, this alteration is predicted to be tolerated by in silico analysis. Since supporting evidence is limited at this time, the clinical significance of this alteration remains unclear.